The following is an entry in ClinVar:

NM_000256.3(MYBPC3):c.660T>G (p.Tyr220Ter)

Gene: MYBPC3 (myosin binding protein C3; minus strand). Cytogenetic location: 11p11.2.
Variant type: single nucleotide variant.
Coding change: c.660T>G on transcript NM_000256.3 (MANE Select); coding-DNA position 660, T replaced by G.
Protein change: p.Tyr220Ter; replaces tyrosine 220 with a stop codon.
Molecular consequence: nonsense.
Genome position (GRCh38, 1-based): chr11:47,348,536, A>C on the plus strand (T>G on the coding strand, the complement: MYBPC3 is on the minus strand). VCF-style: chr11-47348536-A-C. GRCh37 (hg19) VCF-style: chr11-47370087-A-C.
Other names: c.660T>G, p.Tyr220Ter (LRG_386t1); short protein forms Y220*.
Identifiers: ClinVar variation 520326 (VCV000520326.5), dbSNP rs1555123138, ClinGen allele CA380336488.

ClinVar aggregate classification (germline): Pathogenic (1 of 4 stars; one submission).

Conditions:
Cardiovascular phenotype. Identifiers: MedGen CN230736.

Submission:

Ambry Genetics
Classification: Pathogenic for Cardiovascular phenotype. Last evaluated: 2016-11-22. Review status: criteria provided, single submitter. Criteria: Ambry Variant Classification Scheme 2023. Collection method: clinical testing. Allele origin: germline.
Comment: The p.Y220* pathogenic mutation (also known as c.660T>G), located in coding exon 6 of the MYBPC3 gene, results from a T to G substitution at nucleotide position 660. This changes the amino acid from a tyrosine to a stop codon within coding exon 6. This alteration is expected to result in loss of function by premature protein truncation or nonsense-mediated mRNA decay. As such, this alteration is interpreted as a disease-causing mutation.